The following is an entry in ClinVar:

ClinVar aggregate classification (germline): Pathogenic. Review status: criteria provided, multiple submitters, no conflicts (2 of 4 stars). 3 submissions from 3 submitters: Pathogenic (3). Last evaluated 2025-09-24.

Conditions:
Arthrogryposis, renal dysfunction, and cholestasis 1 (ARCS1). Identifiers: Orphanet 2697, MedGen C1859722, MONDO:0008822, OMIM 208085.
Cholestasis, progressive familial intrahepatic, 12 (PFIC12). Also called: CHOLESTASIS, ISOLATED LOW-GGT. Identifiers: MedGen C5774311, MONDO:0031040, OMIM 620010.

gnomAD v4.1: 5 of 1,612,858 alleles (0.00031%); highest among the groups gnomAD compares: Admixed American, 0.0033%; no homozygotes.

Submissions (3):

Genesolutions, Medical Genetics Institutes, Ho Chi Minh City, Vietnam
Classification: Pathogenic for Cholestasis, progressive familial intrahepatic, 12. Last evaluated: 2025-09-24. Review status: criteria provided, single submitter. Criteria: ACMG Guidelines, 2015. Collection method: clinical testing. Allele origin: germline. Affected: yes.

Labcorp Genetics (formerly Invitae), Labcorp
Classification: Pathogenic. Last evaluated: 2025-02-25. Review status: criteria provided, single submitter. Criteria: Invitae Variant Classification Sherloc (09022015). Collection method: clinical testing. Allele origin: germline.
Comment: This sequence change creates a premature translational stop signal (p.Arg523*) in the VPS33B gene. It is expected to result in an absent or disrupted protein product. Loss-of-function variants in VPS33B are known to be pathogenic (PMID: 15052268, 16896922). This variant is present in population databases (no rsID available, gnomAD 0.003%). This premature translational stop signal has been observed in individual(s) with clinical features of VPS33B-related conditions (PMID: 24415890, 35325493). For these reasons, this variant has been classified as Pathogenic.

Juno Genomics, Hangzhou Juno Genomics, Inc
Classification: Pathogenic for Arthrogryposis, renal dysfunction, and cholestasis 1. Review status: criteria provided, single submitter. Criteria: ACMG Guidelines, 2015. Collection method: clinical testing. Allele origin: germline.
Comment: Absent from controls (or at extremely low frequency if recessive) in Genome Aggregation Database.;Null variant in a gene where loss of function (LOF) is a known mechanism of disease.;For recessive disorders, detected in trans with a pathogenic variant.

Literature cited by the submitters: PubMed 15052268 (cited by Labcorp Genetics (formerly Invitae), Labcorp); PubMed 16896922 (cited by Labcorp Genetics (formerly Invitae), Labcorp); PubMed 24415890 (cited by Labcorp Genetics (formerly Invitae), Labcorp); PubMed 35325493 (cited by Labcorp Genetics (formerly Invitae), Labcorp).

NM_018668.5(VPS33B):c.1567C>T (p.Arg523Ter)

Gene: VPS33B (VPS33B late endosome and lysosome associated; minus strand). Cytogenetic location: 15q26.1.
Variant type: single nucleotide variant.
Coding change: c.1567C>T on transcript NM_018668.5 (MANE Select); coding-DNA position 1567, C replaced by T.
Protein change: p.Arg523Ter; replaces arginine 523 with a stop codon.
Molecular consequence: nonsense.
Genome position (GRCh38, 1-based): chr15:91,000,504, G>A on the plus strand (C>T on the coding strand, the complement: VPS33B is on the minus strand). VCF-style: chr15-91000504-G-A. GRCh37 (hg19) VCF-style: chr15-91543734-G-A.
Other names: c.1486C>T, p.Arg496Ter (NM_001289148.1); c.1294C>T, p.Arg432Ter (NM_001289149.1); short protein forms R432*, R496*, R523*.
Identifiers: ClinVar variation 4277498 (VCV004277498.4).